The following is an entry in ClinVar:

ClinVar aggregate classification (germline): Likely benign. Review status: criteria provided, multiple submitters, no conflicts (2 of 4 stars). 2 submissions from 2 submitters: Likely benign (2). Last evaluated 2026-04-28.

Conditions:
GSN-related disorder. Also called: GSN-related condition.

Allele frequency attached by ClinVar (database versions not stated): TOPMed 0.00001; ExAC 0.00002; gnomAD 0.00002.
gnomAD v4.1: 17 of 1,614,034 alleles (0.0011%); highest among the groups gnomAD compares: East Asian, 0.0045%; no homozygotes.

Submissions (2):

PreventionGenetics, part of Exact Sciences
Classification: Likely benign for GSN-related condition. Last evaluated: 2026-04-28. Review status: criteria provided, single submitter. Criteria: ACMG Guidelines, 2015. Collection method: clinical testing. Allele origin: germline.
Comment: This variant is classified as likely benign based on ACMG/AMP sequence variant interpretation guidelines (Richards et al. 2015 PMID: 25741868, with internal and published modifications).

Labcorp Genetics (formerly Invitae), Labcorp
Classification: Likely benign. Last evaluated: 2026-01-25. Review status: criteria provided, single submitter. Criteria: Invitae Variant Classification Sherloc (09022015). Collection method: clinical testing. Allele origin: germline.

NM_198252.3(GSN):c.789C>T (p.Leu263=)

Gene: GSN (gelsolin; plus strand). Cytogenetic location: 9q33.2.
Variant type: single nucleotide variant.
Coding change: c.789C>T on transcript NM_198252.3 (MANE Select); coding-DNA position 789, C replaced by T.
Protein change: p.Leu263=; no amino-acid change (leucine 263 retained).
Molecular consequence: synonymous variant.
Genome position (GRCh38, 1-based): chr9:121,317,121, C>T. VCF-style: chr9-121317121-C-T. GRCh37 (hg19) VCF-style: chr9-124079399-C-T.
Other names: c.942C>T, p.Leu314= (NM_000177.5); c.789C>T, p.Leu263= (NM_001127662.2, NM_001127664.2, NM_001127665.2 and 10 more transcripts); c.897C>T, p.Leu299= (NM_001127663.2); c.822C>T, p.Leu274= (NM_001127666.2, NM_001127667.2, NM_001353063.2 and 13 more transcripts); c.840C>T, p.Leu280= (NM_001258029.2); c.813C>T, p.Leu271= (NM_001258030.2); c.861C>T, p.Leu287= (NM_001353076.2); c.135C>T, p.Leu45= (NM_001353078.2); and 1 more.
Identifiers: ClinVar variation 1895515 (VCV001895515.6), dbSNP rs775191870, ClinGen allele CA5221048.